The following is an entry in ClinVar:

NM_001278512.2(AP3B2):c.113+7G>A

Genes: AP3B2 (adaptor related protein complex 3 subunit beta 2; minus strand), LOC130057772 (ATAC-STARR-seq lymphoblastoid silent region 6752; plus strand). Cytogenetic location: 15q25.2.
Variant type: single nucleotide variant.
Coding change: c.113+7G>A on transcript NM_001278512.2 (MANE Select); 7 bases into the intron after coding-DNA position 113, G replaced by A.
Molecular consequence: intron variant.
Genome position (GRCh38, 1-based): chr15:82,709,587, C>T on the plus strand (G>A on the coding strand, the complement: AP3B2 is on the minus strand). VCF-style: chr15-82709587-C-T. GRCh37 (hg19) VCF-style: chr15-83378339-C-T.
Other names: c.113+7G>A (NM_001278511.2, NM_004644.5, NM_001348440.2).
Identifiers: ClinVar variation 623874 (VCV000623874.56), dbSNP rs756540347, ClinGen allele CA7700614.
Genomic context (GRCh38, chr15:82,709,587, plus strand): 5'-GTGCCCGCGCGCCTCGCCCGGTCCCCGGCCCCAACCCTCCCGCGAGCTTCCTGGCGGGCT[C>T]CCTCACCGCTTGTAGTCGGAGGAGAAGATGCCGCCGCTCGCGGGGTCGTGGCCGTACTCG-3'

ClinVar aggregate classification (germline): Benign/Likely benign. Review status: criteria provided, multiple submitters, no conflicts (2 of 4 stars). 5 submissions from 5 submitters: Benign (1); Likely benign (2). 2 of the submissions do not count toward it. Last evaluated 2026-01-14.

Conditions:
AP3B2-related disorder. Also called: AP3B2-related condition.
Intellectual disability. Also called: Intellectual functioning disability; intellectual disabilities; Intellectual developmental disorder. Identifiers: MedGen C3714756, MeSH D008607, MONDO:0001071, HP:0001249.

Allele frequency attached by ClinVar (database versions not stated): ExAC 0.00086; gnomAD exomes 0.00089 and 0.00114; gnomAD 0.00134 and 0.00138; TOPMed 0.00143.
gnomAD v4.1: 1,726 of 1,494,670 alleles (0.12%); highest among the groups gnomAD compares: Admixed American, 0.17%; 4 homozygotes.

Submissions (5):

Labcorp Genetics (formerly Invitae), Labcorp
Classification: Benign. Last evaluated: 2026-01-14. Review status: criteria provided, single submitter. Criteria: Invitae Variant Classification Sherloc (09022015). Collection method: clinical testing. Allele origin: germline.

Blueprint Genetics
Classification: Likely benign. Last evaluated: 2024-11-24. Review status: criteria provided, single submitter. Criteria: ACMG Guidelines, 2015. Collection method: clinical testing. Allele origin: germline.

CeGaT Center for Human Genetics Tuebingen
Classification: Likely benign. Last evaluated: 2024-08-01. Review status: criteria provided, single submitter. Criteria: CeGaT Center For Human Genetics Tuebingen Variant Classification Criteria Version 2. Collection method: clinical testing. Allele origin: germline. Affected: yes. Observed: 3 variant alleles.
Comment: AP3B2: BP4, BS2

PreventionGenetics, part of Exact Sciences
Classification: Likely benign for AP3B2-related condition. Last evaluated: 2019-08-07. Review status: no assertion criteria provided. Collection method: clinical testing. Allele origin: germline. Not counted in ClinVar's aggregate classification.
Comment: This variant is classified as likely benign based on ACMG/AMP sequence variant interpretation guidelines (Richards et al. 2015 PMID: 25741868, with internal and published modifications).

Centre de Biologie Pathologie Génétique, Centre Hospitalier Universitaire de Lille
Classification: Likely benign for Intellectual disability. Last evaluated: 2019-01-01. Review status: no assertion criteria provided. Collection method: clinical testing. Allele origin: inherited. Affected: yes. Not counted in ClinVar's aggregate classification.